The following is an entry in ClinVar:

NM_020750.3(XPO5):c.1544C>T (p.Thr515Ile)

Genes: POLR1C (RNA polymerase I and III subunit C; plus strand), XPO5 (exportin 5; minus strand). Cytogenetic location: 6p21.1.
Variant type: single nucleotide variant.
Coding change: c.1544C>T on transcript NM_020750.3 (MANE Select); coding-DNA position 1544, C replaced by T.
Protein change: p.Thr515Ile; replaces threonine 515 with isoleucine.
Molecular consequence: missense variant. On other transcripts: non-coding transcript variant (1), intron variant (1).
Genome position (GRCh38, 1-based): chr6:43,553,401, G>A on the plus strand (C>T on the coding strand, the complement: XPO5 is on the minus strand). VCF-style: chr6-43553401-G-A. GRCh37 (hg19) VCF-style: chr6-43521138-G-A.
Other names: c.*42+2390G>A (NM_001363658.2); short protein forms T515I.
Identifiers: ClinVar variation 1395386 (VCV001395386.7), dbSNP rs1011941599, ClinGen allele CA138291276.

ClinVar aggregate classification (germline): Uncertain significance (1 of 4 stars; one submission).

Allele frequency attached by ClinVar (database versions not stated): gnomAD exomes below 0.00001.
gnomAD v4.1: 5 of 1,608,116 alleles (0.00031%); highest among the groups gnomAD compares: Middle Eastern, 0.017%; no homozygotes.

Submission:

Labcorp Genetics (formerly Invitae), Labcorp
Classification: Uncertain significance. Last evaluated: 2025-06-12. Review status: criteria provided, single submitter. Criteria: Invitae Variant Classification Sherloc (09022015). Collection method: clinical testing. Allele origin: germline.
Comment: This sequence change replaces threonine, which is neutral and polar, with isoleucine, which is neutral and non-polar, at codon 515 of the XPO5 protein (p.Thr515Ile). This variant is not present in population databases (gnomAD no frequency). This variant has not been reported in the literature in individuals affected with XPO5-related conditions. ClinVar contains an entry for this variant (Variation ID: 1395386). An algorithm developed to predict the effect of missense changes on protein structure and function (PolyPhen-2) suggests that this variant is likely to be tolerated. In summary, the available evidence is currently insufficient to determine the role of this variant in disease. Therefore, it has been classified as a Variant of Uncertain Significance.